The following is an entry in ClinVar:

NM_001083116.3(PRF1):c.1304C>T (p.Thr435Met)

Gene: PRF1 (perforin 1; minus strand). Cytogenetic location: 10q22.1.
Variant type: single nucleotide variant.
Coding change: c.1304C>T on transcript NM_001083116.3 (MANE Select); coding-DNA position 1304, C replaced by T.
Protein change: p.Thr435Met; replaces threonine 435 with methionine.
Molecular consequence: missense variant.
Genome position (GRCh38, 1-based): chr10:70,598,417, G>A on the plus strand (C>T on the coding strand, the complement: PRF1 is on the minus strand). VCF-style: chr10-70598417-G-A. GRCh37 (hg19) VCF-style: chr10-72358173-G-A.
Other names: c.1304C>T, p.Thr435Met (NM_005041.6); short protein forms T435M.
Identifiers: ClinVar variation 13717 (VCV000013717.15), dbSNP rs28933376, ClinGen allele CA256951.
Genomic context (GRCh38, chr10:70,598,417, plus strand): 5'-TCCCACACGGTGCTCGTCCTCAGCTCCTGGCCACCAAAGAAGAGCTTCACATAGGCATCC[G>A]TGGCAGTGAACCAGTCCCCCCACAGGCCCCATGCTTGGATGAAGGTCACCTCCAGCTGGG-3'
Protein context (NP_001076585.1, residues 425-445): WGLWGDWFTA[Thr435Met]DAYVKLFFGG

ClinVar aggregate classification (germline): Conflicting classifications of pathogenicity. Review status: criteria provided, conflicting classifications (1 of 4 stars). 8 submissions from 8 submitters: Pathogenic (2); Likely pathogenic (4); Uncertain significance (1). 1 of the submissions does not count toward it. Last evaluated 2026-01-19.

Conditions:
Lymphoma, non-Hodgkin, familial. Identifiers: MedGen C4721532, MONDO:0011508, OMIM 605027.
Aplastic anemia. Identifiers: Orphanet 182040, Orphanet 88, MedGen C0002874, MONDO:0015909, OMIM 609135, HP:0001915.
Familial hemophagocytic lymphohistiocytosis 2 (FHL2). Also called: PRF1-Related Familial Hemophagocytic Lymphohistiocytosis (PRF1-fHLH). Identifiers: Orphanet 540, MedGen C1863727, MONDO:0011337, OMIM 603553.
Autoinflammatory syndrome. Identifiers: Orphanet 93665, MedGen C3890737, MONDO:0019751.

Allele frequency attached by ClinVar (database versions not stated): gnomAD exomes 0.00003; TOPMed 0.00002; ExAC 0.00002; gnomAD 0.00001.
gnomAD v4.1: 31 of 1,613,836 alleles (0.0019%); highest among the groups gnomAD compares: Admixed American, 0.0067%; no homozygotes.

Submissions (8):

Labcorp Genetics (formerly Invitae), Labcorp
Classification: Pathogenic for Familial hemophagocytic lymphohistiocytosis 2. Last evaluated: 2026-01-19. Review status: criteria provided, single submitter. Criteria: Invitae Variant Classification Sherloc (09022015). Collection method: clinical testing. Allele origin: germline.
Comment: This sequence change replaces threonine, which is neutral and polar, with methionine, which is neutral and non-polar, at codon 435 of the PRF1 protein (p.Thr435Met). This variant is present in population databases (rs28933376, gnomAD 0.009%). This missense change has been observed in individual(s) with hemophagocytic lymphohistiocytosis (PMID: 12599189, 25233452, 32542393). In at least one individual the data is consistent with being in trans (on the opposite chromosome) from a pathogenic variant. ClinVar contains an entry for this variant (Variation ID: 13717). Invitae Evidence Modeling of protein sequence and biophysical properties (such as structural, functional, and spatial information, amino acid conservation, physicochemical variation, residue mobility, and thermodynamic stability) indicates that this missense variant is expected to disrupt PRF1 protein function with a positive predictive value of 95%. Experimental studies have shown that this missense change affects PRF1 function (PMID: 18927437, 19487666). For these reasons, this variant has been classified as Pathogenic.

Center for Genomic Medicine, Rigshospitalet, Copenhagen University Hospital
Classification: Pathogenic. Last evaluated: 2025-12-29. Review status: criteria provided, single submitter. Criteria: ACMG Guidelines, 2015. Collection method: clinical testing. Allele origin: germline.

Baylor Genetics
Classification: Likely pathogenic for Aplastic anemia. Last evaluated: 2023-10-26. Review status: criteria provided, single submitter. Criteria: ACMG Guidelines, 2015. Collection method: clinical testing. Allele origin: unknown.

Department of Pathology and Laboratory Medicine, Sinai Health System
Classification: Likely pathogenic for Familial hemophagocytic lymphohistiocytosis 2; Lymphoma, non-Hodgkin, familial; Aplastic anemia. Last evaluated: 2023-10-05. Review status: criteria provided, single submitter. Criteria: ACMG Guidelines, 2015. Collection method: research. Allele origin: germline.

Revvity Omics, Revvity
Classification: Uncertain significance. Last evaluated: 2022-03-18. Review status: criteria provided, single submitter. Criteria: ACMG Guidelines, 2015. Collection method: clinical testing. Allele origin: germline.

Genome Diagnostics Laboratory, The Hospital for Sick Children
Classification: Likely pathogenic for Autoinflammatory syndrome. Last evaluated: 2022-02-22. Review status: criteria provided, single submitter. Criteria: ACMG Guidelines, 2015. Collection method: clinical testing. Allele origin: germline. Affected: yes.

Kariminejad - Najmabadi Pathology & Genetics Center
Classification: Likely pathogenic for Familial hemophagocytic lymphohistiocytosis 2. Review status: criteria provided, single submitter. Criteria: ACMG Guidelines, 2015. Collection method: clinical testing. Allele origin: germline. Affected: no.

OMIM
Classification: Pathogenic for HEMOPHAGOCYTIC LYMPHOHISTIOCYTOSIS, FAMILIAL, 2. Last evaluated: 2003-03-15. Review status: no assertion criteria provided. Collection method: literature only. Allele origin: germline. Not counted in ClinVar's aggregate classification.

Literature cited by the submitters: PubMed 12599189 (cited by Labcorp Genetics (formerly Invitae), Labcorp and OMIM); PubMed 25233452 (cited by Labcorp Genetics (formerly Invitae), Labcorp and Center for Genomic Medicine, Rigshospitalet, Copenhagen University Hospital); PubMed 32542393 (cited by Labcorp Genetics (formerly Invitae), Labcorp and Center for Genomic Medicine, Rigshospitalet, Copenhagen University Hospital); PubMed 18927437 (cited by Labcorp Genetics (formerly Invitae), Labcorp and Center for Genomic Medicine, Rigshospitalet, Copenhagen University Hospital); PubMed 19487666 (cited by Labcorp Genetics (formerly Invitae), Labcorp and Center for Genomic Medicine, Rigshospitalet, Copenhagen University Hospital); PubMed 7851014 (cited by OMIM).